The following is an entry in ClinVar:

ClinVar aggregate classification (germline): Uncertain significance (1 of 4 stars; one submission).

Conditions:
Brugada syndrome. Also called: Sudden unexpected nocturnal death syndrome; Sudden unexplained nocturnal death syndrome; Sudden Unexplained Death Syndrome; Sudden Unexplained Nocturnal Death Syndrome (SUNDS). Identifiers: Orphanet 130, MedGen C1142166, MONDO:0015263.

Submission:

Labcorp Genetics (formerly Invitae), Labcorp
Classification: Uncertain significance for Brugada syndrome. Last evaluated: 2024-11-09. Review status: criteria provided, single submitter. Criteria: Invitae Variant Classification Sherloc (09022015). Collection method: clinical testing. Allele origin: germline.
Comment: This sequence change creates a premature translational stop signal (p.Leu179Glnfs*7) in the SCN10A gene. It is expected to result in an absent or disrupted protein product. However, the current clinical and genetic evidence is not sufficient to establish whether loss-of-function variants in SCN10A cause disease. This variant is present in population databases (rs768314082, gnomAD 0.006%). This variant has not been reported in the literature in individuals affected with SCN10A-related conditions. In summary, the available evidence is currently insufficient to determine the role of this variant in disease. Therefore, it has been classified as a Variant of Uncertain Significance.

NM_006514.4(SCN10A):c.536del (p.Leu179fs)

Gene: SCN10A (sodium voltage-gated channel alpha subunit 10; minus strand). Cytogenetic location: 3p22.2.
Variant type: Deletion.
Coding change: c.536del on transcript NM_006514.4 (MANE Select); coding-DNA position 536, one base deleted (T; older notation c.536delT).
Protein change: p.Leu179fs; shifts the reading frame from leucine 179.
Molecular consequence: frameshift variant.
Genome position (GRCh38, 1-based): chr3:38,771,342, A deleted on the plus strand (T on the coding strand, the reverse complement: SCN10A is on the minus strand). VCF-style (leftmost placement, unchanged base first): chr3-38771341-TA-T. GRCh37 (hg19) VCF-style: chr3-38812832-TA-T.
Other names: c.536del, p.Leu179fs (NM_001293306.2, NM_001293307.2); short protein forms L179fs.
Identifiers: ClinVar variation 3717564 (VCV003717564.2).
Genomic context (GRCh38, chr3:38,771,341, plus strand): 5'-CAGGGTAATGACGCTAAAATCCAGCCAGTTCCAAGGATCTCTCAGGTACGTGAACTCATT[TA>T]GACAAAATCCTCTTGCCAGTATCTTTATCAAGGCTTCAAAGGTGTAAATGACAGTGAAGA-3'